The following is an entry in ClinVar:

ClinVar aggregate classification (germline): Uncertain significance. Review status: criteria provided, multiple submitters, no conflicts (2 of 4 stars). 2 submissions from 2 submitters: Uncertain significance (2). Last evaluated 2022-09-14.

Allele frequency attached by ClinVar (database versions not stated): gnomAD 0.00001.
gnomAD v4.1: 4 of 1,614,102 alleles (0.00025%); highest among the groups gnomAD compares: Admixed American, 0.0017%; no homozygotes.

Submissions (2):

Labcorp Genetics (formerly Invitae), Labcorp
Classification: Uncertain significance. Last evaluated: 2022-09-14. Review status: criteria provided, single submitter. Criteria: Invitae Variant Classification Sherloc (09022015). Collection method: clinical testing. Allele origin: germline.
Comment: In summary, the available evidence is currently insufficient to determine the role of this variant in disease. Therefore, it has been classified as a Variant of Uncertain Significance. Advanced modeling of protein sequence and biophysical properties (such as structural, functional, and spatial information, amino acid conservation, physicochemical variation, residue mobility, and thermodynamic stability) performed at Invitae indicates that this missense variant is not expected to disrupt TECTA protein function. This variant has not been reported in the literature in individuals affected with TECTA-related conditions. This variant is not present in population databases (gnomAD no frequency). This sequence change replaces methionine, which is neutral and non-polar, with leucine, which is neutral and non-polar, at codon 661 of the TECTA protein (p.Met661Leu).

Revvity Omics, Revvity
Classification: Uncertain significance. Last evaluated: 2022-08-01. Review status: criteria provided, single submitter. Criteria: ACMG Guidelines, 2015. Collection method: clinical testing. Allele origin: germline.

NM_005422.4(TECTA):c.1981A>T (p.Met661Leu)

Genes: TBCEL-TECTA (TBCEL-TECTA readthrough; plus strand), TECTA (tectorin alpha; plus strand). Cytogenetic location: 11q23.3.
Variant type: single nucleotide variant.
Coding change: c.1981A>T on transcript NM_005422.4 (MANE Select); coding-DNA position 1981, A replaced by T.
Protein change: p.Met661Leu; replaces methionine 661 with leucine.
Molecular consequence: missense variant.
Genome position (GRCh38, 1-based): chr11:121,127,958, A>T. VCF-style: chr11-121127958-A-T. GRCh37 (hg19) VCF-style: chr11-120998667-A-T.
Other names: c.2938A>T, p.Met980Leu (NM_001378761.1); short protein forms M661L, M980L.
Identifiers: ClinVar variation 2167057 (VCV002167057.7), dbSNP rs778589638, ClinGen allele CA229814183.
Genomic context (GRCh38, chr11:121,127,958, plus strand): 5'-ACCAGCCAGTGCGTCCCTCTGCACAAGTGCGGCTGCGACTTCGACGGCCACTACTACACC[A>T]TGGGGGAGTTCTTCTGGGCCACGGCCAACTGCACTGTGCAATGCCTGTGCGAGGAGGGCG-3'
Protein context (NP_005413.2, residues 651-671): GCDFDGHYYT[Met661Leu]GEFFWATANC